The following is an entry in ClinVar:

ClinVar aggregate classification (germline): Conflicting classifications of pathogenicity. Review status: criteria provided, conflicting classifications (1 of 4 stars). 4 submissions from 4 submitters: Likely pathogenic (1); Uncertain significance (3). Last evaluated 2023-04-07.

Conditions:
Asphyxiating thoracic dystrophy 3. Also called: SHORT-RIB THORACIC DYSPLASIA 3 WITH OR WITHOUT POLYDACTYLY; POLYDACTYLY WITH NEONATAL CHONDRODYSTROPHY, TYPE I; SHORT-RIB THORACIC DYSPLASIA 3/6 WITH POLYDACTYLY, DIGENIC; Short rib polydactyly syndrome 2B; Saldino-Noonan Syndrome. Identifiers: Orphanet 474, Orphanet 93269, Orphanet 93270, Orphanet 93271, MedGen C0036069, MONDO:0013127, OMIM 613091.

Submissions (4):

GeneDx
Classification: Likely pathogenic. Last evaluated: 2023-04-07. Review status: criteria provided, single submitter. Criteria: GeneDx Variant Classification Process June 2021. Collection method: clinical testing. Allele origin: germline. Affected: yes.
Comment: In-frame deletion of one amino acids in a non-repeat region; Not observed at a significant frequency in large population cohorts (gnomAD); In silico analysis supports a deleterious effect on protein structure/function; Has not been previously published as pathogenic or benign to our knowledge; This variant is associated with the following publications: (PMID: Lopes Yamamoto 2017[PhD thesis])

3billion
Classification: Uncertain significance for Asphyxiating thoracic dystrophy 3. Last evaluated: 2022-09-01. Review status: criteria provided, single submitter. Criteria: ACMG Guidelines, 2015. Collection method: clinical testing. Allele origin: germline. Affected: yes. Observed: 1 heterozygote.
Comment: The variant is observed at an extremely low frequency in the gnomAD v2.1.1 dataset (total allele frequency: <0.001%). This variant leads to inframe deletion located in a nonrepeat region and it is predicted to change the length of the protein and disrupt normal protein function. Therefore, this variant is classified as uncertain significance according to the recommendation of ACMG/AMP guideline.

Blueprint Genetics
Classification: Uncertain significance. Last evaluated: 2020-08-10. Review status: criteria provided, single submitter. Criteria: ACMG Guidelines, 2015. Collection method: clinical testing. Allele origin: germline.

Mendelics
Classification: Uncertain significance for Asphyxiating thoracic dystrophy 3. Last evaluated: 2019-05-28. Review status: criteria provided, single submitter. Criteria: Mendelics Assertion Criteria 2017. Collection method: clinical testing. Allele origin: unknown.

NM_001377.3(DYNC2H1):c.8885AAG[1] (p.Glu2963del)

Gene: DYNC2H1 (dynein cytoplasmic 2 heavy chain 1; plus strand). Cytogenetic location: 11q22.3.
Variant type: Microsatellite.
Coding change: c.8885AAG[1] on transcript NM_001377.3 (MANE Select); one copy of the 3-base unit AAG starting at c.8885; the reference has two copies in a row; one copy, 3 bases deleted; also written c.8888_8890del.
Protein change: p.Glu2963del; deletes glutamic acid 2963.
Molecular consequence: inframe deletion.
Genome position (GRCh38, 1-based): chr11:103,219,970-103,219,972, AAG deleted; deleting any 3 consecutive bases within chr11:103,219,965-103,219,972 gives the same sequence; the position shown is the placement nearest the transcript's 3' end. VCF-style (leftmost placement, unchanged base first): chr11-103219964-CAGA-C. GRCh37 (hg19) VCF-style: chr11-103090693-CAGA-C.
Other names: c.8888_8890del (NM_001377.3, NM_001080463.1); c.8885AAG[1], p.Glu2963del (NM_001080463.2); short protein forms E2963del.
Identifiers: ClinVar variation 802717 (VCV000802717.4), dbSNP rs770387587, ClinGen allele CA6254559.